The following is an entry in ClinVar:

NM_004606.5(TAF1):c.3513G>T (p.Thr1171=)

Gene: TAF1 (TATA-box binding protein associated factor 1; plus strand). Cytogenetic location: Xq13.1.
Variant type: single nucleotide variant.
Coding change: c.3513G>T on transcript NM_004606.5 (MANE Select); coding-DNA position 3513, G replaced by T.
Protein change: p.Thr1171=; no amino-acid change (threonine 1171 retained).
Molecular consequence: synonymous variant. On other transcripts: non-coding transcript variant (9).
Genome position (GRCh38, 1-based): chrX:71,397,359, G>T. VCF-style: chrX-71397359-G-T. GRCh37 (hg19) VCF-style: chrX-70617209-G-T.
Other names: c.3513G>T, p.Thr1171= (NM_001286074.2); c.3450G>T, p.Thr1150= (NM_138923.4).
Identifiers: ClinVar variation 2711911 (VCV002711911.11), dbSNP rs752566537, ClinGen allele CA10447053.
Genomic context (GRCh38, chrX:71,397,359, plus strand): 5'-AGCTTCCGTGACTAGCCTTAACTCTTCTGCCACTGGACGCTGTCTCAAGATTTATCGCAC[G>T]TTTCGAGATGAAGAGGGGAAAGAGTATGTTCGCTGTGAGACAGTCCGAAAACCAGCTGTC-3'
Protein context (NP_004597.3, residues 1161-1181): ATGRCLKIYR[Thr1171=]FRDEEGKEYV

ClinVar aggregate classification (germline): Benign/Likely benign. Review status: criteria provided, multiple submitters, no conflicts (2 of 4 stars). 3 submissions from 3 submitters: Benign (1); Likely benign (2). Last evaluated 2026-01-20.

Allele frequency attached by ClinVar (database versions not stated): ExAC 0.00008.

Submissions (3):

Labcorp Genetics (formerly Invitae), Labcorp
Classification: Benign. Last evaluated: 2026-01-20. Review status: criteria provided, single submitter. Criteria: Invitae Variant Classification Sherloc (09022015). Collection method: clinical testing. Allele origin: germline.

CeGaT Center for Human Genetics Tuebingen
Classification: Likely benign. Last evaluated: 2025-05-01. Review status: criteria provided, single submitter. Criteria: CeGaT Center For Human Genetics Tuebingen Variant Classification Criteria Version 2. Collection method: clinical testing. Allele origin: germline. Affected: yes. Observed: 2 variant alleles.
Comment: TAF1: BP4, BP7, BS2

Blueprint Genetics
Classification: Likely benign. Last evaluated: 2022-06-01. Review status: criteria provided, single submitter. Criteria: ACMG Guidelines, 2015. Collection method: clinical testing. Allele origin: germline.